The following is an entry in ClinVar:

ClinVar aggregate classification (germline): Conflicting classifications of pathogenicity. Review status: criteria provided, conflicting classifications (1 of 4 stars). 2 submissions from 2 submitters: Uncertain significance (1); Likely benign (1). Last evaluated 2024-04-06.

Allele frequency attached by ClinVar (database versions not stated): gnomAD 0.00004; ExAC 0.00005; TOPMed 0.00006; ESP Exome Variant Server 0.00008.

Submissions (2):

Ambry Genetics
Classification: Likely benign. Last evaluated: 2024-04-06. Review status: criteria provided, single submitter. Criteria: Ambry Variant Classification Scheme 2023. Collection method: clinical testing. Allele origin: germline.

Labcorp Genetics (formerly Invitae), Labcorp
Classification: Uncertain significance. Last evaluated: 2022-02-24. Review status: criteria provided, single submitter. Criteria: Invitae Variant Classification Sherloc (09022015). Collection method: clinical testing. Allele origin: germline.
Comment: This variant has not been reported in the literature in individuals affected with IARS-related conditions. In summary, the available evidence is currently insufficient to determine the role of this variant in disease. Therefore, it has been classified as a Variant of Uncertain Significance. Algorithms developed to predict the effect of missense changes on protein structure and function output the following: SIFT: "Tolerated"; PolyPhen-2: "Benign"; Align-GVGD: "Class C0". The histidine amino acid residue is found in multiple mammalian species, which suggests that this missense change does not adversely affect protein function. This variant is present in population databases (rs367830465, gnomAD 0.02%). This sequence change replaces arginine, which is basic and polar, with histidine, which is basic and polar, at codon 808 of the IARS protein (p.Arg808His).

NM_002161.6(IARS1):c.2423G>A (p.Arg808His)

Gene: IARS1 (isoleucyl-tRNA synthetase 1; minus strand). Cytogenetic location: 9q22.31.
Variant type: single nucleotide variant.
Coding change: c.2423G>A on transcript NM_002161.6 (MANE Select); coding-DNA position 2423, G replaced by A.
Protein change: p.Arg808His; replaces arginine 808 with histidine.
Molecular consequence: missense variant. On other transcripts: non-coding transcript variant (1).
Genome position (GRCh38, 1-based): chr9:92,250,719, C>T on the plus strand (G>A on the coding strand, the complement: IARS1 is on the minus strand). VCF-style: chr9-92250719-C-T. GRCh37 (hg19) VCF-style: chr9-95013001-C-T.
Other names: c.2423G>A (NM_013417.2); c.2348G>A, p.Arg783His (NM_001374299.1, NM_001374300.1, NM_001378584.1); c.2339G>A, p.Arg780His (NM_001374301.1); c.2486G>A, p.Arg829His (NM_001378569.1); c.2444G>A, p.Arg815His (NM_001378571.1); c.2423G>A, p.Arg808His (NM_001378572.1, NM_001378573.1, NM_001378574.1 and 9 more transcripts); c.2327G>A, p.Arg776His (NM_001378582.1); c.2300G>A, p.Arg767His (NM_001378583.1); short protein forms R783H, R776H, R829H, R767H, R780H, R808H, R815H.
Identifiers: ClinVar variation 1895576 (VCV001895576.6), dbSNP rs367830465, ClinGen allele CA5122224.